The following is an entry in ClinVar:

NM_020461.4(TUBGCP6):c.4437G>A (p.Thr1479=)

Gene: TUBGCP6 (tubulin gamma complex component 6; minus strand). Cytogenetic location: 22q13.33.
Variant type: single nucleotide variant.
Coding change: c.4437G>A on transcript NM_020461.4 (MANE Select); coding-DNA position 4437, G replaced by A.
Protein change: p.Thr1479=; no amino-acid change (threonine 1479 retained).
Molecular consequence: synonymous variant.
Genome position (GRCh38, 1-based): chr22:50,219,335, C>T on the plus strand (G>A on the coding strand, the complement: TUBGCP6 is on the minus strand). VCF-style: chr22-50219335-C-T. GRCh37 (hg19) VCF-style: chr22-50657764-C-T.
Other names: c.4437G>A (NM_020461.3).
Identifiers: ClinVar variation 1176450 (VCV001176450.42), dbSNP rs536904710, ClinGen allele CA10307513.

ClinVar aggregate classification (germline): Likely benign. Review status: criteria provided, multiple submitters, no conflicts (2 of 4 stars). 3 submissions from 3 submitters: Likely benign (2). 1 of the submissions does not count toward it. Last evaluated 2025-04-14.

Conditions:
TUBGCP6-related disorder. Also called: TUBGCP6-related condition.

Allele frequency attached by ClinVar (database versions not stated): gnomAD exomes 0.00001 and 0.00003; ExAC 0.00002; gnomAD 0.00003 and 0.00004; TOPMed 0.00003; 1000 Genomes Project 0.00020; 1000 Genomes Project 30x 0.00031.
gnomAD v4.1: 26 of 1,599,020 alleles (0.0016%); highest among the groups gnomAD compares: East Asian, 0.027%; no homozygotes.

Submissions (3):

Labcorp Genetics (formerly Invitae), Labcorp
Classification: Likely benign. Last evaluated: 2025-04-14. Review status: criteria provided, single submitter. Criteria: Invitae Variant Classification Sherloc (09022015). Collection method: clinical testing. Allele origin: germline.

CeGaT Center for Human Genetics Tuebingen
Classification: Likely benign. Last evaluated: 2021-06-01. Review status: criteria provided, single submitter. Criteria: CeGaT Center For Human Genetics Tuebingen Variant Classification Criteria Version 2. Collection method: clinical testing. Allele origin: germline. Affected: yes. Observed: 1 variant allele.

PreventionGenetics, part of Exact Sciences
Classification: Likely benign for TUBGCP6-related condition. Last evaluated: 2020-01-27. Review status: no assertion criteria provided. Collection method: clinical testing. Allele origin: germline. Not counted in ClinVar's aggregate classification.
Comment: This variant is classified as likely benign based on ACMG/AMP sequence variant interpretation guidelines (Richards et al. 2015 PMID: 25741868, with internal and published modifications).